The following is an entry in ClinVar:

ClinVar aggregate classification (germline): Uncertain significance. Review status: criteria provided, multiple submitters, no conflicts (2 of 4 stars). 3 submissions from 3 submitters: Uncertain significance (2). 1 of the submissions does not count toward it. Last evaluated 2025-10-01.

Conditions:
Inborn genetic diseases. Identifiers: MedGen C0950123, MeSH D030342.
Baller-Gerold syndrome (BGS). Also called: CRANIOSYNOSTOSIS WITH RADIAL DEFECTS. Identifiers: Orphanet 1225, MedGen C0265308, MONDO:0009039, OMIM 218600.

Allele frequency attached by ClinVar (database versions not stated): gnomAD exomes 0.00005 and 0.00003; gnomAD 0.00001; TOPMed 0.00002; ExAC 0.00005.
gnomAD v4.1: 43 of 1,612,712 alleles (0.0027%); highest among the groups gnomAD compares: South Asian, 0.027%; no homozygotes.

Submissions (3):

Labcorp Genetics (formerly Invitae), Labcorp
Classification: Uncertain significance for Baller-Gerold syndrome. Last evaluated: 2025-10-01. Review status: criteria provided, single submitter. Criteria: Invitae Variant Classification Sherloc (09022015). Collection method: clinical testing. Allele origin: germline.
Comment: This sequence change replaces threonine, which is neutral and polar, with isoleucine, which is neutral and non-polar, at codon 396 of the RECQL4 protein (p.Thr396Ile). This variant is present in population databases (rs752564961, gnomAD 0.04%). This variant has not been reported in the literature in individuals affected with RECQL4-related conditions. ClinVar contains an entry for this variant (Variation ID: 569828). Invitae Evidence Modeling of protein sequence and biophysical properties (such as structural, functional, and spatial information, amino acid conservation, physicochemical variation, residue mobility, and thermodynamic stability) indicates that this missense variant is not expected to disrupt RECQL4 protein function with a negative predictive value of 80%. In summary, the available evidence is currently insufficient to determine the role of this variant in disease. Therefore, it has been classified as a Variant of Uncertain Significance.

Ambry Genetics
Classification: Uncertain significance for Inborn genetic diseases. Last evaluated: 2025-01-19. Review status: criteria provided, single submitter. Criteria: Ambry Variant Classification Scheme 2023. Collection method: clinical testing. Allele origin: germline.
Comment: The p.T396I variant (also known as c.1187C>T), located in coding exon 6 of the RECQL4 gene, results from a C to T substitution at nucleotide position 1187. The threonine at codon 396 is replaced by isoleucine, an amino acid with similar properties. This amino acid position is conserved. In addition, this alteration is predicted to be tolerated by in silico analysis. Based on the available evidence, the clinical significance of this variant remains unclear.

Department of Pathology and Laboratory Medicine, Sinai Health System
Classification: Uncertain significance. Review status: no assertion criteria provided. Collection method: clinical testing. Allele origin: unknown. Affected: yes. Study: The Canadian Open Genetics Repository (COGR). Not counted in ClinVar's aggregate classification.
Comment: The RECQL4 p.Thr396Ile variant was not identified in the literature nor was it identified in Cosmic or LOVD 3.0. The variant was identified in dbSNP (ID: rs752564961) and in Clinvar (classified as a VUS by Invitae for Baller-Gerold syndrome). The variant was identified in control databases in 13 of 278542 chromosomes at a frequency of 0.000047 (Genome Aggregation Database Feb 27, 2017). The variant was observed in the following populations: South Asian in 12 of 30494 chromosomes (freq: 0.000394) and European (non-Finnish) in 1 of 127026 chromosomes (freq: 0.000008); it was not observed in the African, Latino, Ashkenazi Jewish, East Asian, European (Finnish) and Other populations. The variant occurs outside of the splicing consensus sequence and one of four in silico or computational prediction software programs (SpliceSiteFinder-Like) predicts the loss of a 3' splice site at c.1189. It should be noted that there is not a known 3' splice site at this location, and that this location is predicted as a splice site in the wildtype only by SpliceSiteFinder and MaxEntScan but not by NNSPLICE and GeneSplicer. The p.Thr396 residue is not conserved in mammals and four out of five computational analyses (PolyPhen-2, SIFT, AlignGVGD, and BLOSUM) do not suggest a high likelihood of impact to the protein; however, this information is not predictive enough to rule out pathogenicity. In summary, based on the above information the clinical significance of this variant cannot be determined with certainty at this time. This variant is classified as a variant of uncertain significance.

NM_004260.4(RECQL4):c.1187C>T (p.Thr396Ile)

Gene: RECQL4 (RecQ like helicase 4; minus strand). Cytogenetic location: 8q24.3.
Variant type: single nucleotide variant.
Coding change: c.1187C>T on transcript NM_004260.4 (MANE Select); coding-DNA position 1187, C replaced by T.
Protein change: p.Thr396Ile; replaces threonine 396 with isoleucine.
Molecular consequence: missense variant.
Genome position (GRCh38, 1-based): chr8:144,515,835, G>A on the plus strand (C>T on the coding strand, the complement: RECQL4 is on the minus strand). VCF-style: chr8-144515835-G-A. GRCh37 (hg19) VCF-style: chr8-145741219-G-A.
Other names: short protein forms T396I.
Identifiers: ClinVar variation 569828 (VCV000569828.10), dbSNP rs752564961, ClinGen allele CA4948992.